The following is an entry in ClinVar:

NM_001211.6(BUB1B):c.1598A>G (p.Glu533Gly)

Gene: BUB1B (BUB1 mitotic checkpoint serine/threonine kinase B; plus strand). Cytogenetic location: 15q15.1.
Variant type: single nucleotide variant.
Coding change: c.1598A>G on transcript NM_001211.6 (MANE Select); coding-DNA position 1598, A replaced by G.
Protein change: p.Glu533Gly; replaces glutamic acid 533 with glycine.
Molecular consequence: missense variant.
Genome position (GRCh38, 1-based): chr15:40,202,435, A>G. VCF-style: chr15-40202435-A-G. GRCh37 (hg19) VCF-style: chr15-40494636-A-G.
Other names: short protein forms E533G.
Identifiers: ClinVar variation 1776037 (VCV001776037.2), dbSNP rs1379524702, ClinGen allele CA391691221.
Genomic context (GRCh38, chr15:40,202,435, plus strand): 5'-AGAGTATGTATCTAGTCTCTCTTTCTCTAGGTCCCAGTGTACCTTTCTCCATTTTTGATG[A>G]GTTTCTTCTTTCAGAAAAGAAGAATAAAAGGTACGTTGTTTTTTTGTTTTTTTGGTTTTT-3'
Protein context (NP_001202.5, residues 523-543): GPSVPFSIFD[Glu533Gly]FLLSEKKNKS

ClinVar aggregate classification (germline): Uncertain significance (1 of 4 stars; one submission).

Conditions:
Inborn genetic diseases. Identifiers: MedGen C0950123, MeSH D030342.

Submission:

Ambry Genetics
Classification: Uncertain significance for Inborn genetic diseases. Last evaluated: 2022-08-03. Review status: criteria provided, single submitter. Criteria: Ambry Variant Classification Scheme 2023. Collection method: clinical testing. Allele origin: germline.
Comment: The p.E533G variant (also known as c.1598A>G), located in coding exon 13 of the BUB1B gene, results from an A to G substitution at nucleotide position 1598. The glutamic acid at codon 533 is replaced by glycine, an amino acid with similar properties. This amino acid position is conserved. In addition, this alteration is predicted to be tolerated by in silico analysis. Since supporting evidence is limited at this time, the clinical significance of this alteration remains unclear.